The following is an entry in ClinVar:

ClinVar aggregate classification (germline): Uncertain significance (1 of 4 stars; one submission).

Conditions:
Inborn genetic diseases. Identifiers: MedGen C0950123, MeSH D030342.

Submission:

Ambry Genetics
Classification: Uncertain significance for Inborn genetic diseases. Last evaluated: 2023-06-24. Review status: criteria provided, single submitter. Criteria: Ambry Variant Classification Scheme 2023. Collection method: clinical testing. Allele origin: germline.
Comment: The p.C604W variant (also known as c.1812T>G), located in coding exon 16 of the LRRK2 gene, results from a T to G substitution at nucleotide position 1812. The cysteine at codon 604 is replaced by tryptophan, an amino acid with highly dissimilar properties. This amino acid position is conserved. In addition, the in silico prediction for this alteration is inconclusive. Since supporting evidence is limited at this time, the clinical significance of this alteration remains unclear.

NM_198578.4(LRRK2):c.1812T>G (p.Cys604Trp)

Gene: LRRK2 (leucine rich repeat kinase 2; plus strand). Cytogenetic location: 12q12.
Variant type: single nucleotide variant.
Coding change: c.1812T>G on transcript NM_198578.4 (MANE Select); coding-DNA position 1812, T replaced by G.
Protein change: p.Cys604Trp; replaces cysteine 604 with tryptophan.
Molecular consequence: missense variant.
Genome position (GRCh38, 1-based): chr12:40,274,864, T>G. VCF-style: chr12-40274864-T-G. GRCh37 (hg19) VCF-style: chr12-40668666-T-G.
Other names: short protein forms C604W.
Identifiers: ClinVar variation 2587235 (VCV002587235.2), dbSNP rs2499624829, ClinGen allele CA384403331.
Genomic context (GRCh38, chr12:40,274,864, plus strand): 5'-TTTTCTTCAGTTTTGAGATTTAAAACAATTCTTTTTTTTTATTTTCCTAGAAATTCAGTG[T>G]CTGGGTTTAAGTCTTATAGGATACTTGATTACAAAGAAGAATGTGTTCATAGGAACTGGA-3'
Protein context (NP_940980.4, residues 594-614): QMYPDDQEIQ[Cys604Trp]LGLSLIGYLI